The following is an entry in ClinVar:

ClinVar aggregate classification (germline): Pathogenic/Likely pathogenic. Review status: criteria provided, multiple submitters, no conflicts (2 of 4 stars). 2 submissions from 2 submitters: Pathogenic (1); Likely pathogenic (1). Last evaluated 2026-01-12.

Conditions:
Nizon-Isidor syndrome. Identifiers: MedGen C5394350, MONDO:0030030, OMIM 618872.

gnomAD v4.1: 1 of 1,614,128 alleles (0.000062%); highest among the groups gnomAD compares: Non-Finnish European, 0.000085%; no homozygotes.

Submissions (2):

Institute of Human Genetics, FAU Erlangen, Friedrich-Alexander-Universität Erlangen-Nürnberg
Classification: Pathogenic for Nizon-Isidor syndrome. Last evaluated: 2026-01-12. Review status: criteria provided, single submitter. Criteria: Hauer et al. (Genet Med. 2018). Collection method: clinical testing. Allele origin: germline. Inheritance: Autosomal dominant inheritance. Affected: yes. Observed: 1 variant allele.
Comment: This variant has been identified by standard clinical testing. de novo Selected ACMG criteria: Pathogenic (I):PM2;PS2;PVS1

Institute of Human Genetics, University of Leipzig Medical Center
Classification: Likely pathogenic for Nizon-Isidor syndrome. Last evaluated: 2021-11-01. Review status: criteria provided, single submitter. Criteria: ACMG Guidelines, 2015. Collection method: clinical testing. Allele origin: paternal. Affected: yes.
Comment: Criteria applied: PVS1, PM2_SUP

NM_001393769.1(MED12L):c.1870C>T (p.Arg624Ter)

Gene: MED12L (mediator complex subunit 12L; plus strand). Cytogenetic location: 3q25.1.
Variant type: single nucleotide variant.
Coding change: c.1870C>T on transcript NM_001393769.1 (MANE Select); coding-DNA position 1870, C replaced by T.
Protein change: p.Arg624Ter; replaces arginine 624 with a stop codon.
Molecular consequence: nonsense.
Genome position (GRCh38, 1-based): chr3:151,190,833, C>T. VCF-style: chr3-151190833-C-T. GRCh37 (hg19) VCF-style: chr3-150908620-C-T.
Other names: c.1870C>T, p.Arg624Ter (NM_053002.6); short protein forms R624*.
Identifiers: ClinVar variation 1297029 (VCV001297029.2), dbSNP rs2149096532, ClinGen allele CA354961218.